The following is an entry in ClinVar:

NM_024408.4(NOTCH2):c.5180G>A (p.Arg1727His)

Gene: NOTCH2 (notch receptor 2; minus strand). Cytogenetic location: 1p12.
Variant type: single nucleotide variant.
Coding change: c.5180G>A on transcript NM_024408.4 (MANE Select); coding-DNA position 5180, G replaced by A.
Protein change: p.Arg1727His; replaces arginine 1727 with histidine.
Molecular consequence: missense variant.
Genome position (GRCh38, 1-based): chr1:119,922,269, C>T on the plus strand (G>A on the coding strand, the complement: NOTCH2 is on the minus strand). VCF-style: chr1-119922269-C-T. GRCh37 (hg19) VCF-style: chr1-120464892-C-T.
Other names: c.5180G>A (NM_024408.3); short protein forms R1727H.
Identifiers: ClinVar variation 3665974 (VCV003665974.3).

ClinVar aggregate classification (germline): Uncertain significance. Review status: criteria provided, multiple submitters, no conflicts (2 of 4 stars). 2 submissions from 2 submitters: Uncertain significance (2). Last evaluated 2025-12-29.

Conditions:
Hajdu-Cheney syndrome (HJCYS). Also called: ACROOSTEOLYSIS WITH OSTEOPOROSIS AND CHANGES IN SKULL AND MANDIBLE; SERPENTINE FIBULA-POLYCYSTIC KIDNEY SYNDROME; Acroosteolysis dominant type. Identifiers: Orphanet 955, MedGen C0917715, MONDO:0007057, OMIM 102500.
NOTCH2-related disorder. Also called: NOTCH2-related condition.

gnomAD v4.1: 16 of 1,613,980 alleles (0.00099%); highest among the groups gnomAD compares: Non-Finnish European, 0.0013%; no homozygotes.

Submissions (2):

Labcorp Genetics (formerly Invitae), Labcorp
Classification: Uncertain significance for Hajdu-Cheney syndrome. Last evaluated: 2025-12-29. Review status: criteria provided, single submitter. Criteria: Invitae Variant Classification Sherloc (09022015). Collection method: clinical testing. Allele origin: germline.
Comment: This sequence change replaces arginine, which is basic and polar, with histidine, which is basic and polar, at codon 1727 of the NOTCH2 protein (p.Arg1727His). This variant is present in population databases (rs745954022, gnomAD no frequency). This variant has not been reported in the literature in individuals affected with NOTCH2-related conditions. ClinVar contains an entry for this variant (Variation ID: 3665974). Invitae Evidence Modeling of protein sequence and biophysical properties (such as structural, functional, and spatial information, amino acid conservation, physicochemical variation, residue mobility, and thermodynamic stability) has been performed for this missense variant. However, the output from this modeling did not meet the statistical confidence thresholds required to predict the impact of this variant on NOTCH2 protein function. In summary, the available evidence is currently insufficient to determine the role of this variant in disease. Therefore, it has been classified as a Variant of Uncertain Significance.

PreventionGenetics, part of Exact Sciences
Classification: Uncertain significance for NOTCH2-related condition. Last evaluated: 2025-10-24. Review status: criteria provided, single submitter. Criteria: ACMG Guidelines, 2015. Collection method: clinical testing. Allele origin: germline.
Comment: The NOTCH2 c.5180G>A variant is predicted to result in the amino acid substitution p.Arg1727His. To our knowledge, this variant has not been reported in the literature. This variant is reported in 0.00088% of alleles in individuals of European (Non-Finnish) descent in gnomAD. At this time, the clinical significance of this variant is uncertain due to the absence of conclusive functional and genetic evidence.